The following is an entry in ClinVar:

NM_000057.4(BLM):c.1531C>G (p.Leu511Val)

Gene: BLM (BLM RecQ like helicase; plus strand). Cytogenetic location: 15q26.1.
Variant type: single nucleotide variant.
Coding change: c.1531C>G on transcript NM_000057.4 (MANE Select); coding-DNA position 1531, C replaced by G.
Protein change: p.Leu511Val; replaces leucine 511 with valine.
Molecular consequence: missense variant.
Genome position (GRCh38, 1-based): chr15:90,760,904, C>G. VCF-style: chr15-90760904-C-G. GRCh37 (hg19) VCF-style: chr15-91304134-C-G.
Other names: c.1531C>G, p.Leu511Val (NM_001287246.2, NM_001287247.2); c.406C>G, p.Leu136Val (NM_001287248.2); short protein forms L136V, L511V.
Identifiers: ClinVar variation 2566822 (VCV002566822.2), dbSNP rs1382968714, ClinGen allele CA393843261.

ClinVar aggregate classification (germline): Uncertain significance (1 of 4 stars; one submission).

Conditions:
Hereditary cancer-predisposing syndrome. Also called: Hereditary neoplastic syndrome; Hereditary Cancer Syndrome; Neoplastic Syndromes, Hereditary; Tumor predisposition. Identifiers: Orphanet 140162, MedGen C0027672, MeSH D009386, MONDO:0015356.

Submission:

Ambry Genetics
Classification: Uncertain significance for Hereditary cancer-predisposing syndrome. Last evaluated: 2023-04-13. Review status: criteria provided, single submitter. Criteria: Ambry Variant Classification Scheme 2023. Collection method: clinical testing. Allele origin: germline.
Comment: The p.L511V variant (also known as c.1531C>G), located in coding exon 6 of the BLM gene, results from a C to G substitution at nucleotide position 1531. The leucine at codon 511 is replaced by valine, an amino acid with highly similar properties. This amino acid position is conserved. In addition, this alteration is predicted to be tolerated by in silico analysis. Since supporting evidence is limited at this time, the clinical significance of this alteration remains unclear.